The following is an entry in ClinVar:

ClinVar aggregate classification (germline): Uncertain significance. Review status: criteria provided, multiple submitters, no conflicts (2 of 4 stars). 5 submissions from 5 submitters: Uncertain significance (5). Last evaluated 2026-05-15.

Conditions:
FGFR3-related disorder. Also called: FGFR3-related disorders.

Allele frequency attached by ClinVar (database versions not stated): gnomAD exomes below 0.00001; gnomAD 0.00001 and 0.00002; TOPMed 0.00001; ExAC 0.00014; 1000 Genomes Project 0.00020; 1000 Genomes Project 30x 0.00047.

Submissions (5):

PreventionGenetics, part of Exact Sciences
Classification: Uncertain significance for FGFR3-related condition. Last evaluated: 2026-05-15. Review status: criteria provided, single submitter. Criteria: ACMG Guidelines, 2015. Collection method: clinical testing. Allele origin: germline.
Comment: The FGFR3 c.43G>A variant is predicted to result in the amino acid substitution p.Ala15Thr. To our knowledge, this variant has not been reported in the literature. This variant is reported in 0.018% of alleles in individuals of Latino descent in gnomAD. At this time, the clinical significance of this variant is uncertain due to the absence of conclusive functional and genetic evidence.

Labcorp Genetics (formerly Invitae), Labcorp
Classification: Uncertain significance. Last evaluated: 2025-12-19. Review status: criteria provided, single submitter. Criteria: Invitae Variant Classification Sherloc (09022015). Collection method: clinical testing. Allele origin: germline.
Comment: This sequence change replaces alanine, which is neutral and non-polar, with threonine, which is neutral and polar, at codon 15 of the FGFR3 protein (p.Ala15Thr). The frequency data for this variant in the population databases is considered unreliable, as metrics indicate poor data quality at this position in the gnomAD database. This variant has not been reported in the literature in individuals affected with FGFR3-related conditions. ClinVar contains an entry for this variant (Variation ID: 1305219). Invitae Evidence Modeling of protein sequence and biophysical properties (such as structural, functional, and spatial information, amino acid conservation, physicochemical variation, residue mobility, and thermodynamic stability) has been performed for this missense variant. However, the output from this modeling did not meet the statistical confidence thresholds required to predict the impact of this variant on FGFR3 protein function. In summary, the available evidence is currently insufficient to determine the role of this variant in disease. Therefore, it has been classified as a Variant of Uncertain Significance.

Dasa
Classification: Uncertain significance. Last evaluated: 2025-12-01. Review status: criteria provided, single submitter. Criteria: DASA Assertion Criteria. Collection method: clinical testing. Allele origin: germline.
Comment: NM_000142.5(FGFR3):c.43G>A (p.Ala15Thr) is a missense variant that results in the substitution of alanine with threonine. This variant is rare in population databases. Computational prediction algorithms are consistent with a benign effect. The currently available literature and clinical evidence are not sufficient to establish a definitive association between this variant and the reported condition. Therefore, this variant is classified as a variant of uncertain significance.

Revvity Omics, Revvity
Classification: Uncertain significance. Last evaluated: 2019-10-03. Review status: criteria provided, single submitter. Criteria: ACMG Guidelines, 2015. Collection method: clinical testing. Allele origin: germline.

GeneDx
Classification: Uncertain significance. Last evaluated: 2019-04-30. Review status: criteria provided, single submitter. Criteria: GeneDx Variant Classification Process June 2021. Collection method: clinical testing. Allele origin: germline. Affected: yes.
Comment: Not observed at a significant frequency in large population cohorts (Lek et al., 2016); In silico analysis, which includes protein predictors and evolutionary conservation, supports that this variant does not alter protein structure/function; Has not been previously published as pathogenic or benign to our knowledge

NM_000142.5(FGFR3):c.43G>A (p.Ala15Thr)

Gene: FGFR3 (fibroblast growth factor receptor 3; plus strand). Cytogenetic location: 4p16.3.
Variant type: single nucleotide variant.
Coding change: c.43G>A on transcript NM_000142.5 (MANE Select); coding-DNA position 43, G replaced by A.
Protein change: p.Ala15Thr; replaces alanine 15 with threonine.
Molecular consequence: missense variant. On other transcripts: non-coding transcript variant (1).
Genome position (GRCh38, 1-based): chr4:1,793,977, G>A. VCF-style: chr4-1793977-G-A. GRCh37 (hg19) VCF-style: chr4-1795704-G-A.
Other names: c.43G>A, p.Ala15Thr (NM_001163213.2, NM_001354809.2, NM_001354810.2 and 1 more transcripts); short protein forms A15T.
Identifiers: ClinVar variation 1305219 (VCV001305219.12), dbSNP rs573850631, ClinGen allele CA2809677.